The following is an entry in ClinVar:

NM_006206.6(PDGFRA):c.72G>A (p.Gln24=)

Gene: PDGFRA (platelet derived growth factor receptor alpha; plus strand). Cytogenetic location: 4q12.
Variant type: single nucleotide variant.
Coding change: c.72G>A on transcript NM_006206.6 (MANE Select); coding-DNA position 72, G replaced by A.
Protein change: p.Gln24=; no amino-acid change (glutamine 24 retained).
Molecular consequence: synonymous variant.
Genome position (GRCh38, 1-based): chr4:54,261,117, G>A. VCF-style: chr4-54261117-G-A. GRCh37 (hg19) VCF-style: chr4-55127284-G-A.
Other names: c.72G>A, p.Gln24= (NM_001347827.2, NM_001347829.2); c.147G>A, p.Gln49= (NM_001347828.2); c.111G>A, p.Gln37= (NM_001347830.2).
Identifiers: ClinVar variation 3644442 (VCV003644442.2).

ClinVar aggregate classification (germline): Uncertain significance (1 of 4 stars; one submission).

Conditions:
Gastrointestinal stromal tumor. Also called: Gastrointestinal stromal tumor, somatic; Gastrointestinal stroma tumor. Identifiers: Orphanet 44890, MedGen C0238198, MeSH D046152, MONDO:0011719, OMIM 606764, HP:0100723.

Submission:

Labcorp Genetics (formerly Invitae), Labcorp
Classification: Uncertain significance for Gastrointestinal stromal tumor. Last evaluated: 2024-03-04. Review status: criteria provided, single submitter. Criteria: Invitae Variant Classification Sherloc (09022015). Collection method: clinical testing. Allele origin: germline.
Comment: This sequence change affects codon 24 of the PDGFRA mRNA. It is a 'silent' change, meaning that it does not change the encoded amino acid sequence of the PDGFRA protein. This variant is not present in population databases (gnomAD no frequency). This variant has not been reported in the literature in individuals affected with PDGFRA-related conditions. Algorithms developed to predict the effect of sequence changes on RNA splicing suggest that this variant may create or strengthen a splice site. In summary, the available evidence is currently insufficient to determine the role of this variant in disease. Therefore, it has been classified as a Variant of Uncertain Significance.